The following is an entry in ClinVar:

NM_001127222.2(CACNA1A):c.6128G>A (p.Gly2043Asp)

Gene: CACNA1A (calcium voltage-gated channel subunit alpha1 A; minus strand). Cytogenetic location: 19p13.13.
Variant type: single nucleotide variant.
Coding change: c.6128G>A on transcript NM_001127222.2 (MANE Select); coding-DNA position 6128, G replaced by A.
Protein change: p.Gly2043Asp; replaces glycine 2043 with aspartic acid.
Molecular consequence: missense variant.
Genome position (GRCh38, 1-based): chr19:13,212,445, C>T on the plus strand (G>A on the coding strand, the complement: CACNA1A is on the minus strand). VCF-style: chr19-13212445-C-T. GRCh37 (hg19) VCF-style: chr19-13323259-C-T.
Other names: c.6146G>A, p.Gly2049Asp (NM_000068.4, NM_023035.3); c.6131G>A, p.Gly2044Asp (NM_001127221.2); c.6137G>A, p.Gly2046Asp (NM_001174080.2); short protein forms G2043D, G2044D, G2046D, G2049D.
Identifiers: ClinVar variation 1058869 (VCV001058869.9), dbSNP rs765421252, ClinGen allele CA9239467.

ClinVar aggregate classification (germline): Uncertain significance (1 of 4 stars; one submission).

Conditions:
Developmental and epileptic encephalopathy, 42 (DEE42A). Also called: DEVELOPMENTAL AND EPILEPTIC ENCEPHALOPATHY 42A; EPILEPTIC ENCEPHALOPATHY, EARLY INFANTILE, 42A; Epileptic encephalopathy, early infantile, 42. Identifiers: MedGen C4310716, MONDO:0014917, OMIM 617106.
Episodic ataxia type 2 (EA2). Also called: EPISODIC ATAXIA, NYSTAGMUS-ASSOCIATED; ACETAZOLAMIDE-RESPONSIVE HEREDITARY PAROXYSMAL CEREBELLAR ATAXIA; ATAXIA, EPISODIC, WITH NYSTAGMUS; ATAXIA, FAMILIAL PAROXYSMAL; CEREBELLAR ATAXIA, PAROXYSMAL, ACETAZOLAMIDE-RESPONSIVE; CEREBELLOPATHY, HEREDITARY PAROXYSMAL. Identifiers: Orphanet 97, MedGen C1720416, MONDO:0007163, OMIM 108500.

Allele frequency attached by ClinVar (database versions not stated): gnomAD exomes 0.00001; ExAC 0.00002.
gnomAD v4.1: 7 of 1,611,556 alleles (0.00043%); highest among the groups gnomAD compares: South Asian, 0.0077%; no homozygotes.

Submission:

Labcorp Genetics (formerly Invitae), Labcorp
Classification: Uncertain significance for Developmental and epileptic encephalopathy, 42; Episodic ataxia type 2. Last evaluated: 2021-02-02. Review status: criteria provided, single submitter. Criteria: Invitae Variant Classification Sherloc (09022015). Collection method: clinical testing. Allele origin: germline.
Comment: In summary, the available evidence is currently insufficient to determine the role of this variant in disease. Therefore, it has been classified as a Variant of Uncertain Significance. Advanced modeling of protein sequence and biophysical properties (such as structural, functional, and spatial information, amino acid conservation, physicochemical variation, residue mobility, and thermodynamic stability) performed at Invitae indicates that this missense variant is not expected to disrupt CACNA1A protein function. This variant has not been reported in the literature in individuals with CACNA1A-related conditions. This variant is present in population databases (rs765421252, ExAC 0.01%). This sequence change replaces glycine with aspartic acid at codon 2044 of the CACNA1A protein (p.Gly2044Asp). The glycine residue is moderately conserved and there is a moderate physicochemical difference between glycine and aspartic acid.